The following is an entry in ClinVar:

ClinVar aggregate classification (germline): Uncertain significance (1 of 4 stars; one submission).

Submission:

Labcorp Genetics (formerly Invitae), Labcorp
Classification: Uncertain significance. Last evaluated: 2022-12-03. Review status: criteria provided, single submitter. Criteria: Invitae Variant Classification Sherloc (09022015). Collection method: clinical testing. Allele origin: unknown.
Comment: In summary, the available evidence is currently insufficient to determine the role of this variant in disease. Therefore, it has been classified as a Variant of Uncertain Significance. Experimental studies and prediction algorithms are not available or were not evaluated, and the functional significance of this variant is currently unknown. This variant has not been reported in the literature in individuals affected with MSH3-related conditions. This variant results in a copy number gain of the genomic region encompassing exon(s) 11-24 of the MSH3 gene. This region includes the termination codon of the gene. This copy number gain extends beyond the assayed region for this gene and therefore may encompass additional genes. As the precise location of this event is unknown, it may be in tandem or it may be located elsewhere in the genome.

NC_000005.9:g.(?_80037273)_(80171681_?)dup

Gene: MSH3 (mutS homolog 3; plus strand). Cytogenetic location: 5q14.1.
Variant type: Duplication.
Identifiers: ClinVar variation 3246493 (VCV003246493.1).